The following is an entry in ClinVar:

ClinVar aggregate classification (germline): Uncertain significance (1 of 4 stars; one submission).

Conditions:
LRP5-related disorder. Also called: LRP5-related condition.

Submission:

PreventionGenetics, part of Exact Sciences
Classification: Uncertain significance for LRP5-related condition. Last evaluated: 2025-04-24. Review status: criteria provided, single submitter. Criteria: ACMG Guidelines, 2015. Collection method: clinical testing. Allele origin: germline.
Comment: The LRP5 c.11C>T variant is predicted to result in the amino acid substitution p.Ala4Val. To our knowledge, this variant has not been reported in the literature. This variant is reported in 0.0% of alleles in individuals of African descent in gnomAD. At this time, the clinical significance of this variant is uncertain due to the absence of conclusive functional and genetic evidence.

NM_002335.4(LRP5):c.11C>T (p.Ala4Val)

Gene: LRP5 (LDL receptor related protein 5; plus strand). Cytogenetic location: 11q13.2.
Variant type: single nucleotide variant.
Coding change: c.11C>T on transcript NM_002335.4 (MANE Select); coding-DNA position 11, C replaced by T.
Protein change: p.Ala4Val; replaces alanine 4 with valine.
Molecular consequence: missense variant. On other transcripts: 5 prime UTR variant (1).
Genome position (GRCh38, 1-based): chr11:68,312,725, C>T. VCF-style: chr11-68312725-C-T. GRCh37 (hg19) VCF-style: chr11-68080193-C-T.
Other names: c.-1755C>T (NM_001291902.2); short protein forms A4V.
Identifiers: ClinVar variation 4979613 (VCV004979613.1).
Genomic context (GRCh38, chr11:68,312,725, plus strand): 5'-CCATGGAGCCCGAGTGAGCGCGGCGCGGGCCCGTCCGGCCGCCGGACAACATGGAGGCAG[C>T]GCCGCCCGGGCCGCCGTGGCCGCTGCTGCTGCTGCTGCTGCTGCTGCTGGCGCTGTGCGG-3'
Protein context (NP_002326.2, residues 1-14): MEA[Ala4Val]PPGPPWPLLL